The following is an entry in ClinVar:

NM_006496.4(GNAI3):c.1042T>C (p.Leu348=)

Gene: GNAI3 (G protein subunit alpha i3; plus strand). Cytogenetic location: 1p13.3.
Variant type: single nucleotide variant.
Coding change: c.1042T>C on transcript NM_006496.4 (MANE Select); coding-DNA position 1042, T replaced by C.
Protein change: p.Leu348=; no amino-acid change (leucine 348 retained).
Molecular consequence: synonymous variant.
Genome position (GRCh38, 1-based): chr1:109,592,210, T>C. VCF-style: chr1-109592210-T-C. GRCh37 (hg19) VCF-style: chr1-110134832-T-C.
Identifiers: ClinVar variation 3043340 (VCV003043340.2), dbSNP rs1260117647, ClinGen allele CA419365204.

ClinVar aggregate classification (germline): Likely benign (0 of 4 stars; one submission).

Conditions:
GNAI3-related disorder. Also called: GNAI3-related condition.

Allele frequency attached by ClinVar (database versions not stated): gnomAD 0.00001; gnomAD exomes 0.00001; TOPMed 0.00001.
gnomAD v4.1: 7 of 1,611,716 alleles (0.00043%); highest among the groups gnomAD compares: Admixed American, 0.01%; no homozygotes.

Submission:

PreventionGenetics, part of Exact Sciences
Classification: Likely benign for GNAI3-related condition. Last evaluated: 2019-07-01. Review status: no assertion criteria provided. Collection method: clinical testing. Allele origin: germline.
Comment: This variant is classified as likely benign based on ACMG/AMP sequence variant interpretation guidelines (Richards et al. 2015 PMID: 25741868, with internal and published modifications).